The following is an entry in ClinVar:

ClinVar aggregate classification (germline): Uncertain significance. Review status: criteria provided, multiple submitters, no conflicts (2 of 4 stars). 3 submissions from 3 submitters: Uncertain significance (3). Last evaluated 2025-07-10.

Conditions:
Inborn genetic diseases. Identifiers: MedGen C0950123, MeSH D030342.
Juvenile onset Parkinson disease 19A. Also called: DNAJC6 Parkinson Disease; PARK19. Identifiers: Orphanet 391411, MedGen C3809811, MONDO:0014231, OMIM 615528.

gnomAD v4.1: 42 of 1,614,066 alleles (0.0026%); highest among the groups gnomAD compares: Admixed American, 0.068%; no homozygotes.

Submissions (3):

Labcorp Genetics (formerly Invitae), Labcorp
Classification: Uncertain significance for Juvenile onset Parkinson disease 19A. Last evaluated: 2025-07-10. Review status: criteria provided, single submitter. Criteria: Invitae Variant Classification Sherloc (09022015). Collection method: clinical testing. Allele origin: germline.
Comment: This sequence change replaces glutamic acid, which is acidic and polar, with aspartic acid, which is acidic and polar, at codon 905 of the DNAJC6 protein (p.Glu905Asp). This variant is present in population databases (rs201708707, gnomAD 0.07%). This variant has not been reported in the literature in individuals affected with DNAJC6-related conditions. ClinVar contains an entry for this variant (Variation ID: 1416440). An algorithm developed to predict the effect of missense changes on protein structure and function (PolyPhen-2) suggests that this variant is likely to be disruptive. In summary, the available evidence is currently insufficient to determine the role of this variant in disease. Therefore, it has been classified as a Variant of Uncertain Significance.

Ambry Genetics
Classification: Uncertain significance for Inborn genetic diseases. Last evaluated: 2025-06-23. Review status: criteria provided, single submitter. Criteria: Ambry Variant Classification Scheme 2023. Collection method: clinical testing. Allele origin: germline.

Genome-Nilou Lab
Classification: Uncertain significance for Juvenile onset Parkinson disease 19A. Last evaluated: 2023-04-11. Review status: criteria provided, single submitter. Criteria: ACMG Guidelines, 2015. Collection method: clinical testing. Allele origin: germline. Affected: no.

NM_001256864.2(DNAJC6):c.2715G>C (p.Glu905Asp)

Gene: DNAJC6 (DnaJ heat shock protein family (Hsp40) member C6; plus strand). Cytogenetic location: 1p31.3.
Variant type: single nucleotide variant.
Coding change: c.2715G>C on transcript NM_001256864.2 (MANE Select); coding-DNA position 2715, G replaced by C.
Protein change: p.Glu905Asp; replaces glutamic acid 905 with aspartic acid.
Molecular consequence: missense variant.
Genome position (GRCh38, 1-based): chr1:65,411,330, G>C. VCF-style: chr1-65411330-G-C. GRCh37 (hg19) VCF-style: chr1-65877013-G-C.
Other names: c.2544G>C (NM_014787.2); c.2505G>C, p.Glu835Asp (NM_001256865.2); c.2544G>C, p.Glu848Asp (NM_014787.4); short protein forms E835D, E848D, E905D.
Identifiers: ClinVar variation 1416440 (VCV001416440.7), dbSNP rs201708707, ClinGen allele CA894221.